The following is an entry in ClinVar:

NM_001042681.2(RERE):c.3771C>T (p.Ser1257=)

Gene: RERE (arginine-glutamic acid dipeptide repeats; minus strand). Cytogenetic location: 1p36.23.
Variant type: single nucleotide variant.
Coding change: c.3771C>T on transcript NM_001042681.2 (MANE Select); coding-DNA position 3771, C replaced by T.
Protein change: p.Ser1257=; no amino-acid change (serine 1257 retained).
Molecular consequence: synonymous variant.
Genome position (GRCh38, 1-based): chr1:8,358,764, G>A on the plus strand (C>T on the coding strand, the complement: RERE is on the minus strand). VCF-style: chr1-8358764-G-A. GRCh37 (hg19) VCF-style: chr1-8418824-G-A.
Other names: c.2109C>T, p.Ser703= (NM_001042682.2); c.3771C>T, p.Ser1257= (NM_012102.4).
Identifiers: ClinVar variation 1922073 (VCV001922073.30), dbSNP rs954622529, ClinGen allele CA17691379.

ClinVar aggregate classification (germline): Likely benign. Review status: criteria provided, multiple submitters, no conflicts (2 of 4 stars). 2 submissions from 2 submitters: Likely benign (2). Last evaluated 2024-10-17.

Allele frequency attached by ClinVar (database versions not stated): gnomAD 0.00001; gnomAD exomes 0.00002; TOPMed 0.00003.
gnomAD v4.1: 33 of 1,612,266 alleles (0.002%); highest among the groups gnomAD compares: Non-Finnish European, 0.0026%; no homozygotes.

Submissions (2):

Labcorp Genetics (formerly Invitae), Labcorp
Classification: Likely benign. Last evaluated: 2024-10-17. Review status: criteria provided, single submitter. Criteria: Invitae Variant Classification Sherloc (09022015). Collection method: clinical testing. Allele origin: germline.

CeGaT Center for Human Genetics Tuebingen
Classification: Likely benign. Last evaluated: 2023-08-01. Review status: criteria provided, single submitter. Criteria: CeGaT Center For Human Genetics Tuebingen Variant Classification Criteria Version 2. Collection method: clinical testing. Allele origin: germline. Affected: yes. Observed: 1 variant allele.
Comment: RERE: PM2:Supporting, BP4, BP7